The following is an entry in ClinVar:

ClinVar aggregate classification (germline): Uncertain significance. Review status: criteria provided, multiple submitters, no conflicts (2 of 4 stars). 2 submissions from 2 submitters: Uncertain significance (2). Last evaluated 2022-10-26.

Conditions:
Inborn genetic diseases. Identifiers: MedGen C0950123, MeSH D030342.

Allele frequency attached by ClinVar (database versions not stated): ExAC 0.00001; TOPMed 0.00001.

Submissions (2):

Labcorp Genetics (formerly Invitae), Labcorp
Classification: Uncertain significance. Last evaluated: 2022-10-26. Review status: criteria provided, single submitter. Criteria: Invitae Variant Classification Sherloc (09022015). Collection method: clinical testing. Allele origin: germline.
Comment: This sequence change replaces arginine, which is basic and polar, with cysteine, which is neutral and slightly polar, at codon 83 of the EDNRB protein (p.Arg83Cys). This variant is present in population databases (rs771230818, gnomAD 0.02%). This variant has not been reported in the literature in individuals affected with EDNRB-related conditions. Algorithms developed to predict the effect of missense changes on protein structure and function are either unavailable or do not agree on the potential impact of this missense change (SIFT: "Deleterious"; PolyPhen-2: "Possibly Damaging"; Align-GVGD: "Class C0"). In summary, the available evidence is currently insufficient to determine the role of this variant in disease. Therefore, it has been classified as a Variant of Uncertain Significance.

Ambry Genetics
Classification: Uncertain significance for Inborn genetic diseases. Last evaluated: 2022-06-09. Review status: criteria provided, single submitter. Criteria: Ambry Variant Classification Scheme 2023. Collection method: clinical testing. Allele origin: germline.

NM_001122659.3(EDNRB):c.247C>T (p.Arg83Cys)

Gene: EDNRB (endothelin receptor type B; minus strand). Cytogenetic location: 13q22.3.
Variant type: single nucleotide variant.
Coding change: c.247C>T on transcript NM_001122659.3 (MANE Select); coding-DNA position 247, C replaced by T.
Protein change: p.Arg83Cys; replaces arginine 83 with cysteine.
Molecular consequence: missense variant.
Genome position (GRCh38, 1-based): chr13:77,918,327, G>A on the plus strand (C>T on the coding strand, the complement: EDNRB is on the minus strand). VCF-style: chr13-77918327-G-A. GRCh37 (hg19) VCF-style: chr13-78492462-G-A.
Other names: c.517C>T, p.Arg173Cys (NM_001201397.2); c.247C>T, p.Arg83Cys (NM_003991.4, NM_000115.5); short protein forms R173C, R83C.
Identifiers: ClinVar variation 2118783 (VCV002118783.5), dbSNP rs771230818, ClinGen allele CA7012371.
Genomic context (GRCh38, chr13:77,918,327, plus strand): 5'-TGTATTTGAAAGTCTCCTTGATCTCGATGGGTCCTTGGCACGGGGGAGGGGAGATGGTGC[G>A]TGGCGGAGATCCTGCCGTCCTGTCTCCTTTAGGCACCTCCGCAGGTGCCAACGACCGCGC-3'
Protein context (NP_001116131.1, residues 73-93): KGDRTAGSPP[Arg83Cys]TISPPPCQGP